The following is an entry in ClinVar:

ClinVar aggregate classification (germline): Benign/Likely benign. Review status: criteria provided, multiple submitters, no conflicts (2 of 4 stars). 2 submissions from 2 submitters: Benign (1); Likely benign (1). Last evaluated 2025-03-05.

Allele frequency attached by ClinVar (database versions not stated): 1000 Genomes Project 0.00060; 1000 Genomes Project 30x 0.00062; ESP Exome Variant Server 0.00092; gnomAD 0.00108 and 0.00116; TOPMed 0.00127.

Submissions (2):

Labcorp Genetics (formerly Invitae), Labcorp
Classification: Benign. Last evaluated: 2025-03-05. Review status: criteria provided, single submitter. Criteria: Invitae Variant Classification Sherloc (09022015). Collection method: clinical testing. Allele origin: germline.

GeneDx
Classification: Likely benign. Last evaluated: 2018-06-08. Review status: criteria provided, single submitter. Criteria: GeneDx Variant Classification (06012015). Collection method: clinical testing. Allele origin: germline. Affected: yes.
Comment: This variant is considered likely benign or benign based on one or more of the following criteria: it is a conservative change, it occurs at a poorly conserved position in the protein, it is predicted to be benign by multiple in silico algorithms, and/or has population frequency not consistent with disease.

NM_145691.4(ATPAF2):c.422+15G>A

Gene: ATPAF2 (ATP synthase mitochondrial F1 complex assembly factor 2; minus strand). Cytogenetic location: 17p11.2.
Variant type: single nucleotide variant.
Coding change: c.422+15G>A on transcript NM_145691.4 (MANE Select); 15 bases into the intron after coding-DNA position 422, G replaced by A.
Molecular consequence: intron variant.
Genome position (GRCh38, 1-based): chr17:18,026,304, C>T on the plus strand (G>A on the coding strand, the complement: ATPAF2 is on the minus strand). VCF-style: chr17-18026304-C-T. GRCh37 (hg19) VCF-style: chr17-17929618-C-T.
Identifiers: ClinVar variation 679493 (VCV000679493.9), dbSNP rs374419603, ClinGen allele CA8421877.